The following is an entry in ClinVar:

ClinVar aggregate classification (germline): Uncertain significance. Review status: criteria provided, multiple submitters, no conflicts (2 of 4 stars). 3 submissions from 3 submitters: Uncertain significance (3). Last evaluated 2025-11-07.

Conditions:
Inborn genetic diseases. Identifiers: MedGen C0950123, MeSH D030342.

Allele frequency attached by ClinVar (database versions not stated): TOPMed 0.00001; gnomAD 0.00003; gnomAD exomes 0.00005; ExAC 0.00007; 1000 Genomes Project 0.00020; 1000 Genomes Project 30x 0.00031.
gnomAD v4.1: 90 of 1,614,224 alleles (0.0056%); highest among the groups gnomAD compares: South Asian, 0.043%; no homozygotes.

Submissions (3):

Ambry Genetics
Classification: Uncertain significance for Inborn genetic diseases. Last evaluated: 2025-11-07. Review status: criteria provided, single submitter. Criteria: Ambry Variant Classification Scheme 2023. Collection method: clinical testing. Allele origin: germline.

Blueprint Genetics
Classification: Uncertain significance. Last evaluated: 2023-12-27. Review status: criteria provided, single submitter. Criteria: ACMG Guidelines, 2015. Collection method: clinical testing. Allele origin: germline.

Labcorp Genetics (formerly Invitae), Labcorp
Classification: Uncertain significance. Last evaluated: 2022-03-14. Review status: criteria provided, single submitter. Criteria: Invitae Variant Classification Sherloc (09022015). Collection method: clinical testing. Allele origin: germline.
Comment: This sequence change replaces arginine, which is basic and polar, with glycine, which is neutral and non-polar, at codon 368 of the KCNJ1 protein (p.Arg368Gly). This variant is present in population databases (rs540546979, gnomAD 0.04%). This variant has not been reported in the literature in individuals affected with KCNJ1-related conditions. Algorithms developed to predict the effect of missense changes on protein structure and function are either unavailable or do not agree on the potential impact of this missense change (SIFT: "Deleterious"; PolyPhen-2: "Benign"; Align-GVGD: "Class C15"). In summary, the available evidence is currently insufficient to determine the role of this variant in disease. Therefore, it has been classified as a Variant of Uncertain Significance.

NM_153766.3(KCNJ1):c.1045A>G (p.Arg349Gly)

Gene: KCNJ1 (potassium inwardly rectifying channel subfamily J member 1; minus strand). Cytogenetic location: 11q24.3.
Variant type: single nucleotide variant.
Coding change: c.1045A>G on transcript NM_153766.3 (MANE Select); coding-DNA position 1045, A replaced by G.
Protein change: p.Arg349Gly; replaces arginine 349 with glycine.
Molecular consequence: missense variant.
Genome position (GRCh38, 1-based): chr11:128,839,199, T>C on the plus strand (A>G on the coding strand, the complement: KCNJ1 is on the minus strand). VCF-style: chr11-128839199-T-C. GRCh37 (hg19) VCF-style: chr11-128709094-T-C.
Other names: c.1102A>G, p.Arg368Gly (NM_000220.6); c.1045A>G, p.Arg349Gly (NM_153764.3, NM_153767.4); c.1096A>G, p.Arg366Gly (NM_153765.3); c.1102A>G (NM_000220.2); short protein forms R368G, R366G, R349G.
Identifiers: ClinVar variation 2174683 (VCV002174683.4), dbSNP rs540546979, ClinGen allele CA6357388.
Genomic context (GRCh38, chr11:128,839,199, plus strand): 5'-CATCTGTTTCATTGACTTCTGACAAGATGAAGTTGGGGTTGTCATAGCCTCTCTTCATCC[T>C]GGCTCTAACATCTTTCTCATTATAAAGGCACATGGCACAGTGAGGGGTCTCCACTTCCAC-3'
Protein context (NP_722450.1, residues 339-359): CLYNEKDVRA[Arg349Gly]MKRGYDNPNF